The following is an entry in ClinVar:

ClinVar aggregate classification (germline): Uncertain significance. Review status: criteria provided, single submitter (1 of 4 stars). 2 submissions from 2 submitters: Uncertain significance (1). 1 of the submissions does not count toward it. Last evaluated 2022-08-20.

Conditions:
Anauxetic dysplasia. Identifiers: Orphanet 93347, MedGen C1846796, MONDO:0011773.
Metaphyseal chondrodysplasia, McKusick type (CHH). Also called: Cartilage-hair hypoplasia; Cartilage-Hair Hypoplasia (CHH). Identifiers: Orphanet 175, MedGen C0220748, MONDO:0009595, OMIM 250250.

Allele frequency attached by ClinVar (database versions not stated): gnomAD exomes 0.00001; ExAC 0.00009.

Submissions (2):

Labcorp Genetics (formerly Invitae), Labcorp
Classification: Uncertain significance for Anauxetic dysplasia. Last evaluated: 2022-08-20. Review status: criteria provided, single submitter. Criteria: Invitae Variant Classification Sherloc (09022015). Collection method: clinical testing. Allele origin: germline.
Comment: This variant occurs in the RMRP gene, which encodes an RNA molecule that does not result in a protein product. This variant is present in population databases (rs769131655, gnomAD 0.004%). This variant has not been reported in the literature in individuals affected with RMRP-related conditions. ClinVar contains an entry for this variant (Variation ID: 956586). Experimental studies and prediction algorithms are not available or were not evaluated, and the functional significance of this variant is currently unknown. In summary, the available evidence is currently insufficient to determine the role of this variant in disease. Therefore, it has been classified as a Variant of Uncertain Significance.

Natera, Inc.
Classification: Uncertain significance for Cartilage-hair hypoplasia. Last evaluated: 2020-10-13. Review status: no assertion criteria provided. Collection method: clinical testing. Allele origin: germline. Not counted in ClinVar's aggregate classification.

NR_003051.4(RMRP):n.115_116insA

Gene: RMRP (RNA component of mitochondrial RNA processing endoribonuclease; minus strand). Cytogenetic location: 9p13.3.
Variant type: Insertion.
Genome position: GRCh38 VCF-style: chr9-35657904-C-CT. GRCh37 (hg19) VCF-style: chr9-35657901-C-CT.
Identifiers: ClinVar variation 956586 (VCV000956586.8), dbSNP rs769131655, ClinGen allele CA5045842.